The following is an entry in ClinVar:

NM_000312.4(PROC):c.6G>A (p.Trp2Ter)

Gene: PROC (protein C, inactivator of coagulation factors Va and VIIIa; plus strand). Cytogenetic location: 2q14.3.
Variant type: single nucleotide variant.
Coding change: c.6G>A on transcript NM_000312.4 (MANE Select); coding-DNA position 6, G replaced by A.
Protein change: p.Trp2Ter; replaces tryptophan 2 with a stop codon.
Molecular consequence: nonsense. On other transcripts: missense variant (1), intron variant (1).
Genome position (GRCh38, 1-based): chr2:127,419,948, G>A. VCF-style: chr2-127419948-G-A. GRCh37 (hg19) VCF-style: chr2-128177524-G-A.
Other names: c.189G>A, p.Trp63Ter (NM_001375602.1); c.69G>A, p.Trp23Ter (NM_001375603.1, NM_001375604.1, NM_001375606.1); c.6G>A, p.Trp2Ter (NM_001375605.1, NM_001375608.1, NM_001375610.1 and 2 more transcripts); c.125G>A, p.Gly42Asp (NM_001375607.1); c.47-1335G>A (NM_001375609.1); short protein forms W2*, G42D, W63*, W23*.
Identifiers: ClinVar variation 2700349 (VCV002700349.3), dbSNP rs2468318751, ClinGen allele CA348397267.
Genomic context (GRCh38, chr2:127,419,948, plus strand): 5'-TAGGCACTGCCCGGAGCTCAGAAGTCCTCCTCAGACAGGTGCCAGTGCCTCCAGAATGTG[G>A]CAGCTCACAAGCCTCCTGCTGTTCGTGGCCACCTGGGGAATTTCCGGCACACCAGCTCCT-3'

ClinVar aggregate classification (germline): Pathogenic (1 of 4 stars; one submission).

Conditions:
Thrombophilia due to protein C deficiency, autosomal dominant. Also called: PROC DEFICIENCY, AUTOSOMAL DOMINANT; PROTEIN C DEFICIENCY, AUTOSOMAL DOMINANT. Identifiers: Orphanet 745, MedGen C2674321, MONDO:0008316, OMIM 176860. Disease mechanism: loss of function.

Submission:

Labcorp Genetics (formerly Invitae), Labcorp
Classification: Pathogenic for Thrombophilia due to protein C deficiency, autosomal dominant. Last evaluated: 2023-12-02. Review status: criteria provided, single submitter. Criteria: Invitae Variant Classification Sherloc (09022015). Collection method: clinical testing. Allele origin: germline.
Comment: This sequence change creates a premature translational stop signal (p.Trp2*) in the PROC gene. It is expected to result in an absent or disrupted protein product. Loss-of-function variants in PROC are known to be pathogenic (PMID: 17152060). This variant is not present in population databases (gnomAD no frequency). This variant has not been reported in the literature in individuals affected with PROC-related conditions. For these reasons, this variant has been classified as Pathogenic.

Literature cited by the submitters: PubMed 17152060.